The following is an entry in ClinVar:

NM_004360.5(CDH1):c.1443T>C (p.Asn481=)

Gene: CDH1 (cadherin 1; plus strand). Cytogenetic location: 16q22.1.
Variant type: single nucleotide variant.
Coding change: c.1443T>C on transcript NM_004360.5 (MANE Select); coding-DNA position 1443, T replaced by C.
Protein change: p.Asn481=; no amino-acid change (asparagine 481 retained).
Molecular consequence: synonymous variant. On other transcripts: 5 prime UTR variant (2).
Genome position (GRCh38, 1-based): chr16:68,815,637, T>C. VCF-style: chr16-68815637-T-C. GRCh37 (hg19) VCF-style: chr16-68849540-T-C.
Other names: c.1443T>C (LRG_301t1); c.1260T>C, p.Asn420= (NM_001317184.2); c.-106T>C (NM_001317185.2); c.-377T>C (NM_001317186.2).
Identifiers: ClinVar variation 230755 (VCV000230755.15), dbSNP rs876658750, ClinGen allele CA10580114.
Genomic context (GRCh38, chr16:68,815,637, plus strand): 5'-TTTTGAGGTCTCTCTCACCACCTCCACAGCCACCGTCACCGTGGATGTGCTGGATGTGAA[T>C]GAAGCCCCCATCTTTGTGCCTCCTGAAAAGAGAGTGGAAGTGTCCGAGGACTTTGGCGTG-3'
Protein context (NP_004351.1, residues 471-491): ATVTVDVLDV[Asn481=]EAPIFVPPEK

ClinVar aggregate classification (germline): Benign/Likely benign. Review status: criteria provided, multiple submitters, no conflicts (2 of 4 stars). 4 submissions from 4 submitters: Benign (1); Likely benign (3). Last evaluated 2024-09-18.

Conditions:
Hereditary diffuse gastric adenocarcinoma (HDGC). Also called: DIFFUSE GASTRIC AND LOBULAR BREAST CANCER SYNDROME. Identifiers: Orphanet 26106, MedGen C1708349, MONDO:0007648, OMIM 137215.
Hereditary cancer-predisposing syndrome. Also called: Neoplastic Syndromes, Hereditary; Hereditary Cancer Syndrome; Tumor predisposition; Hereditary neoplastic syndrome. Identifiers: Orphanet 140162, MedGen C0027672, MeSH D009386, MONDO:0015356.

Allele frequency attached by ClinVar (database versions not stated): gnomAD exomes below 0.00001.
gnomAD v4.1: 1 of 1,614,218 alleles (0.000062%); highest among the groups gnomAD compares: South Asian, 0.0011%; no homozygotes.

Submissions (4):

Myriad Genetics, Inc.
Classification: Benign for Hereditary diffuse gastric adenocarcinoma. Last evaluated: 2024-09-18. Review status: criteria provided, single submitter. Criteria: Myriad Autosomal Dominant, Autosomal Recessive and X-Linked Classification Criteria (2023). Collection method: clinical testing. Allele origin: unknown.
Comment: This variant is considered benign. This variant is a silent/synonymous amino acid change and it is not expected to impact splicing.

Blueprint Genetics
Classification: Likely benign. Last evaluated: 2023-03-20. Review status: criteria provided, single submitter. Criteria: ACMG Guidelines, 2015. Collection method: clinical testing. Allele origin: germline.

Labcorp Genetics (formerly Invitae), Labcorp
Classification: Likely benign for Hereditary diffuse gastric adenocarcinoma. Last evaluated: 2019-05-03. Review status: criteria provided, single submitter. Criteria: Invitae Variant Classification Sherloc (09022015). Collection method: clinical testing. Allele origin: germline.

Ambry Genetics
Classification: Likely benign for Hereditary cancer-predisposing syndrome. Last evaluated: 2015-03-06. Review status: criteria provided, single submitter. Criteria: Ambry Variant Classification Scheme 2023. Collection method: clinical testing. Allele origin: germline.